The following is an entry in ClinVar:

NM_007294.4(BRCA1):c.5278-15C>A

Gene: BRCA1 (BRCA1 DNA repair associated; minus strand). Cytogenetic location: 17q21.31.
Variant type: single nucleotide variant.
Coding change: c.5278-15C>A on transcript NM_007294.4 (MANE Select); 15 bases into the intron before coding-DNA position 5278, C replaced by A.
Molecular consequence: intron variant.
Genome position (GRCh38, 1-based): chr17:43,051,132, G>T on the plus strand (C>A on the coding strand, the complement: BRCA1 is on the minus strand). VCF-style: chr17-43051132-G-T. GRCh37 (hg19) VCF-style: chr17-41203149-G-T.
Other names: c.1843-15C>A (NM_001408442.1, NM_001408436.1, NM_001408435.1 and 10 more transcripts); c.1846-15C>A (NM_001408426.1, NM_001408430.1, NM_001408427.1 and 4 more transcripts); c.1966-15C>A (NM_001407982.1, NM_001407980.1, NM_001407993.1 and 12 more transcripts); c.2035-15C>A (NM_001407970.1, NM_001407971.1); c.5275-15C>A (NM_001407621.1, NM_001407613.1, NM_001407618.1 and 17 more transcripts); c.5278-15C>A (NM_001407593.1, NM_001407603.1, NM_001407854.1 and 6 more transcripts); c.1825-15C>A (NM_001408458.1, NM_001408461.1, NM_001408464.1 and 7 more transcripts); c.4387-15C>A (NM_001407967.1); and 74 more.
Identifiers: ClinVar variation 867934 (VCV000867934.3), dbSNP rs1320766010, ClinGen allele CA916081083.

Conditions:
Breast-ovarian cancer, familial, susceptibility to, 1 (BROVCA1). Also called: BRCA1 Hereditary Breast and Ovarian Cancer; OVARIAN CANCER, SUSCEPTIBILITY TO. Identifiers: Orphanet 145, MedGen C2676676, MONDO:0011450, OMIM 604370. Disease mechanism: loss of function.

Submission:

Brotman Baty Institute, University of Washington
No classification provided (evidence only). Condition: Breast-ovarian cancer, familial 1. Review status: no classification provided. Collection method: in vitro. Allele origin: not applicable. Functional consequence: functionally_normal.
ClinVar note: "not provided" was previously submitted as the classification for the variant. However, the classification appeared to be based only on an observation of functional data so it was converted to no classification on 2025-07-30.